The following is an entry in ClinVar:

ClinVar aggregate classification (germline): Uncertain significance (1 of 4 stars; one submission).

Allele frequency attached by ClinVar (database versions not stated): gnomAD 0.00001; ExAC 0.00003.
gnomAD v4.1: 69 of 1,608,336 alleles (0.0043%); highest among the groups gnomAD compares: Middle Eastern, 0.017%; no homozygotes.

Submission:

Labcorp Genetics (formerly Invitae), Labcorp
Classification: Uncertain significance. Last evaluated: 2024-02-23. Review status: criteria provided, single submitter. Criteria: Invitae Variant Classification Sherloc (09022015). Collection method: clinical testing. Allele origin: germline.
Comment: This sequence change replaces alanine, which is neutral and non-polar, with valine, which is neutral and non-polar, at codon 1434 of the ROBO1 protein (p.Ala1434Val). The frequency data for this variant in the population databases is considered unreliable, as metrics indicate poor data quality at this position in the gnomAD database. This variant has not been reported in the literature in individuals affected with ROBO1-related conditions. ClinVar contains an entry for this variant (Variation ID: 2420849). Advanced modeling of protein sequence and biophysical properties (such as structural, functional, and spatial information, amino acid conservation, physicochemical variation, residue mobility, and thermodynamic stability) performed at Invitae indicates that this missense variant is not expected to disrupt ROBO1 protein function with a negative predictive value of 95%. In summary, the available evidence is currently insufficient to determine the role of this variant in disease. Therefore, it has been classified as a Variant of Uncertain Significance.

NM_002941.4(ROBO1):c.4301C>T (p.Ala1434Val)

Gene: ROBO1 (roundabout guidance receptor 1; minus strand). Cytogenetic location: 3p12.3.
Variant type: single nucleotide variant.
Coding change: c.4301C>T on transcript NM_002941.4 (MANE Select); coding-DNA position 4301, C replaced by T.
Protein change: p.Ala1434Val; replaces alanine 1434 with valine.
Molecular consequence: missense variant.
Genome position (GRCh38, 1-based): chr3:78,614,782, G>A on the plus strand (C>T on the coding strand, the complement: ROBO1 is on the minus strand). VCF-style: chr3-78614782-G-A. GRCh37 (hg19) VCF-style: chr3-78663932-G-A.
Other names: c.4166C>T, p.Ala1389Val (NM_001145844.1, NM_133631.4); c.4001C>T, p.Ala1334Val (NM_001145845.2); short protein forms A1334V, A1389V, A1434V.
Identifiers: ClinVar variation 2420849 (VCV002420849.6), dbSNP rs775353991, ClinGen allele CA2498112.